The following is an entry in ClinVar:

NM_138927.4(SON):c.1120_1121inv (p.Glu374Ser)

Gene: SON (SON DNA and RNA binding protein; plus strand). Cytogenetic location: 21q22.11.
Variant type: Inversion.
Coding change: c.1120_1121inv on transcript NM_138927.4 (MANE Select).
Protein change: p.Glu374Ser; replaces glutamic acid 374 with serine.
Molecular consequence: missense variant. On other transcripts: non-coding transcript variant (1), intron variant (1).
Genome position: GRCh38 VCF-style: chr21-33550351-GA-TC. GRCh37 (hg19) VCF-style: chr21-34922657-GA-TC.
Other names: c.1120_1121invGA, p.Glu374Ser (NM_001412133.1, NM_058183.2, NM_138926.1); c.1120_1121inv, p.Glu374Ser (NM_032195.3, NM_001291411.2); c.244+3972_244+3973inv (NM_001291412.3); short protein forms E374S.
Identifiers: ClinVar variation 1714389 (VCV001714389.5), ClinGen allele CA2580098621.

ClinVar aggregate classification (germline): Uncertain significance (1 of 4 stars; one submission).

Submission:

Labcorp Genetics (formerly Invitae), Labcorp
Classification: Uncertain significance. Last evaluated: 2022-08-01. Review status: criteria provided, single submitter. Criteria: Invitae Variant Classification Sherloc (09022015). Collection method: clinical testing. Allele origin: germline.
Comment: Information on the frequency of this variant in the gnomAD database is not available, as this variant may be reported differently in the database. This sequence change replaces glutamic acid, which is acidic and polar, with serine, which is neutral and polar, at codon 374 of the SON protein (p.Glu374Ser). This variant has not been reported in the literature in individuals affected with SON-related conditions. In summary, the available evidence is currently insufficient to determine the role of this variant in disease. Therefore, it has been classified as a Variant of Uncertain Significance. Algorithms developed to predict the effect of missense changes on protein structure and function are either unavailable or do not agree on the potential impact of this missense change (SIFT: "Not Available"; PolyPhen-2: "Probably Damaging"; Align-GVGD: "Not Available").